The following is an entry in ClinVar:

NM_016169.4(SUFU):c.122G>C (p.Cys41Ser)

Gene: SUFU (SUFU negative regulator of hedgehog signaling; plus strand). Cytogenetic location: 10q24.32.
Variant type: single nucleotide variant.
Coding change: c.122G>C on transcript NM_016169.4 (MANE Select); coding-DNA position 122, G replaced by C.
Protein change: p.Cys41Ser; replaces cysteine 41 with serine.
Molecular consequence: missense variant.
Genome position (GRCh38, 1-based): chr10:102,504,274, G>C. VCF-style: chr10-102504274-G-C. GRCh37 (hg19) VCF-style: chr10-104264031-G-C.
Other names: c.122G>C, p.Cys41Ser (NM_001178133.2); short protein forms C41S.
Identifiers: ClinVar variation 4783503 (VCV004783503.1).
Genomic context (GRCh38, chr10:102,504,274, plus strand): 5'-CTGCCCCCCCGGCCTTCGCTTCGCTCTTTCCCCCGGGACTGCACGCCATCTACGGAGAGT[G>C]CCGCCGCCTTTACCCTGACCAGCCGAACCCGCTCCAGGTTACCGCTATCGTCAAGTACTG-3'
Protein context (NP_057253.2, residues 31-51): PPGLHAIYGE[Cys41Ser]RRLYPDQPNP

ClinVar aggregate classification (germline): Uncertain significance (1 of 4 stars; one submission).

Conditions:
Gorlin syndrome. Also called: Nevoid Basal Cell Carcinoma Syndrome; Basal cell nevus syndrome. Identifiers: Orphanet 377, MedGen C0004779, MONDO:0007187.
Medulloblastoma (MDB). Also called: MEDULLOBLASTOMA PREDISPOSITION SYNDROME; Medulloblastoma, somatic. Identifiers: Orphanet 616, MedGen C0025149, MeSH D008527, MONDO:0007959, OMIM 155255, HP:0002885.

Submission:

Labcorp Genetics (formerly Invitae), Labcorp
Classification: Uncertain significance for Gorlin syndrome; Medulloblastoma. Last evaluated: 2025-07-03. Review status: criteria provided, single submitter. Criteria: Invitae Variant Classification Sherloc (09022015). Collection method: clinical testing. Allele origin: germline.
Comment: This sequence change replaces cysteine, which is neutral and slightly polar, with serine, which is neutral and polar, at codon 41 of the SUFU protein (p.Cys41Ser). This variant is not present in population databases (gnomAD no frequency). This variant has not been reported in the literature in individuals affected with SUFU-related conditions. Invitae Evidence Modeling of protein sequence and biophysical properties (such as structural, functional, and spatial information, amino acid conservation, physicochemical variation, residue mobility, and thermodynamic stability) indicates that this missense variant is expected to disrupt SUFU protein function with a positive predictive value of 80%. In summary, the available evidence is currently insufficient to determine the role of this variant in disease. Therefore, it has been classified as a Variant of Uncertain Significance.